The following is an entry in ClinVar:

ClinVar aggregate classification (germline): Uncertain significance (0 of 4 stars; one submission).

Conditions:
RAI1-related disorder. Also called: RAI1-related condition.

Submission:

PreventionGenetics, part of Exact Sciences
Classification: Uncertain significance for RAI1-related condition. Last evaluated: 2024-01-02. Review status: no assertion criteria provided. Collection method: clinical testing. Allele origin: germline.
Comment: The RAI1 c.5080G>A variant is predicted to result in the amino acid substitution p.Ala1694Thr. To our knowledge, this variant has not been reported in the literature or in a large population database, indicating this variant is rare. At this time, the clinical significance of this variant is uncertain due to the absence of conclusive functional and genetic evidence.

NM_030665.4(RAI1):c.5080G>A (p.Ala1694Thr)

Gene: RAI1 (retinoic acid induced 1; plus strand). Cytogenetic location: 17p11.2.
Variant type: single nucleotide variant.
Coding change: c.5080G>A on transcript NM_030665.4 (MANE Select); coding-DNA position 5080, G replaced by A.
Protein change: p.Ala1694Thr; replaces alanine 1694 with threonine.
Molecular consequence: missense variant.
Genome position (GRCh38, 1-based): chr17:17,798,028, G>A. VCF-style: chr17-17798028-G-A. GRCh37 (hg19) VCF-style: chr17-17701342-G-A.
Other names: short protein forms A1694T.
Identifiers: ClinVar variation 3349122 (VCV003349122.1).